The following is an entry in ClinVar:

ClinVar aggregate classification (germline): Pathogenic (1 of 4 stars; one submission).

Conditions:
Ectodermal dysplasia 10A, hypohidrotic/hair/nail type, autosomal dominant (ECTD10A). Also called: Ectodermal Dysplasia 3, Anhidrotic. Identifiers: Orphanet 1810, Orphanet 238468, MedGen C3888065, MONDO:0007509, OMIM 129490.
Autosomal recessive hypohidrotic ectodermal dysplasia syndrome. Also called: Autosomal recessive hypohidrotic ectodermal dysplasia. Identifiers: Orphanet 248, MedGen C0406702, MONDO:0016619.

Submission:

Labcorp Genetics (formerly Invitae), Labcorp
Classification: Pathogenic for Ectodermal dysplasia 10A, hypohidrotic/hair/nail type, autosomal dominant; Autosomal recessive hypohidrotic ectodermal dysplasia syndrome. Last evaluated: 2020-10-12. Review status: criteria provided, single submitter. Criteria: Invitae Variant Classification Sherloc (09022015). Collection method: clinical testing. Allele origin: germline.
Comment: This sequence change affects an acceptor splice site in intron 10 of the EDAR gene. It is expected to disrupt RNA splicing and likely results in an absent or disrupted protein product. This variant is not present in population databases (ExAC no frequency). For these reasons, this variant has been classified as Pathogenic. Donor and acceptor splice site variants typically lead to a loss of protein function (PMID: 16199547), and loss-of-function variants in EDAR are known to be pathogenic (PMID: 10431241, 20979233, 28981473). Algorithms developed to predict the effect of sequence changes on RNA splicing suggest that this variant may disrupt the consensus splice site, but this prediction has not been confirmed by published transcriptional studies. This variant has been observed in individual(s) with clinical features of ectodermal dysplasia (Invitae).

Literature cited by the submitters: PubMed 16199547; PubMed 10431241; PubMed 20979233; PubMed 28981473.

NM_022336.4(EDAR):c.964-1G>A

Genes: EDAR (ectodysplasin A receptor; minus strand), RANBP2 (RAN binding protein 2; plus strand). Cytogenetic location: 2q13.
Variant type: single nucleotide variant.
Coding change: c.964-1G>A on transcript NM_022336.4 (MANE Select); the canonical splice acceptor site of the intron before coding-DNA position 964, G replaced by A.
Molecular consequence: splice acceptor variant.
Genome position (GRCh38, 1-based): chr2:108,906,369, C>T on the plus strand (G>A on the coding strand, the complement: EDAR is on the minus strand). VCF-style: chr2-108906369-C-T. GRCh37 (hg19) VCF-style: chr2-109522825-C-T.
Identifiers: ClinVar variation 1075576 (VCV001075576.9), dbSNP rs2105390253, ClinGen allele CA348050609.